The following is an entry in ClinVar:

ClinVar aggregate classification (germline): Uncertain significance. Review status: criteria provided, multiple submitters, no conflicts (2 of 4 stars). 6 submissions from 6 submitters: Uncertain significance (6). Last evaluated 2025-12-15.

Conditions:
Cardiovascular phenotype. Identifiers: MedGen CN230736.
Arrhythmogenic right ventricular cardiomyopathy (ARVD). Also called: Arrhythmogenic Right Ventricular Cardiomyopathy (ARVC); Cardiomyopathy, ARVC; Arrhythmogenic cardiomyopathy; Arrhythmogenic right ventricular dysplasia. Identifiers: Orphanet 247, MedGen C0349788, MeSH D019571, MONDO:0016587. Disease mechanism: loss of function. Inheritance: Various modes of inheritance.
Cardiomyopathy (CMYO). Also called: Cardiomyopathies. Identifiers: Orphanet 167848, MedGen C0878544, MONDO:0004994, HP:0001638. Inheritance: Various modes of inheritance.
Arrhythmogenic right ventricular dysplasia 9 (ARVD9). Also called: Arrhythmogenic Right Ventricular Dysplasia/Cardiomyopathy 9; ARRHYTHMOGENIC RIGHT VENTRICULAR DYSPLASIA, FAMILIAL, 9. Identifiers: MedGen C1836906, MONDO:0012180, OMIM 609040.

Allele frequency attached by ClinVar (database versions not stated): TOPMed below 0.00001; gnomAD exomes below 0.00001.
gnomAD v4.1: 3 of 1,425,518 alleles (0.00021%); highest among the groups gnomAD compares: Non-Finnish European, 0.0003%; no homozygotes.

Submissions (6):

Labcorp Genetics (formerly Invitae), Labcorp
Classification: Uncertain significance for Arrhythmogenic right ventricular dysplasia 9. Last evaluated: 2025-12-15. Review status: criteria provided, single submitter. Criteria: Invitae Variant Classification Sherloc (09022015). Collection method: clinical testing. Allele origin: germline.
Comment: This sequence change falls in intron 1 of the PKP2 gene. It does not directly change the encoded amino acid sequence of the PKP2 protein. It affects a nucleotide within the consensus splice site. This variant is not present in population databases (gnomAD no frequency). This variant has been observed in individuals with arrhythmogenic right ventricular cardiomyopathy and/or clinical features of PKP2-related conditions (PMID: 23671136, 24125834, 30161220, 30830208; internal data). ClinVar contains an entry for this variant (Variation ID: 188652). Variants that disrupt the consensus splice site are a relatively common cause of aberrant splicing (PMID: 17576681, 9536098). Algorithms developed to predict the effect of sequence changes on RNA splicing suggest that this variant may disrupt the consensus splice site. In summary, the available evidence is currently insufficient to determine the role of this variant in disease. Therefore, it has been classified as a Variant of Uncertain Significance.

All of Us Research Program, National Institutes of Health
Classification: Uncertain significance for Arrhythmogenic right ventricular cardiomyopathy. Last evaluated: 2024-02-22. Review status: criteria provided, single submitter. Criteria: ACMG Guidelines, 2015. Collection method: clinical testing. Allele origin: germline. Inheritance: Autosomal dominant inheritance. Observed: 1 variant allele, 1 heterozygote.
Comment: This variant causes a C to G nucleotide substitution at the -3 position of intron 1 of the PKP2 gene. This variant is also known as IVS1-3C>G in the literature. Splice site prediction tools predict that this variant may have a significant impact on RNA splicing. This variant has been reported in at least five unrelated individuals affected with arrhythmogenic right ventricular cardiomyopathy (PMID: 23671136, 24125834, 25196244, 25820315, 30161220, 30830208, 36138163, 37418234). This variant has not been identified in the general population by the Genome Aggregation Database (gnomAD). One of the affected probands has been reported to be compound heterozygous for this variant and c.2490-6T>C variant in the same gene (PMID: 30830208). The proband's heterozygous parents were unaffected with arrhythmogenic cardiomyopathy (PMID: 30830208). Based on the RNAseq analysis using the proband's explant heart sample, this study has reported that this c.224-3C>G variant causes skipping of exon 2, and c.2490-6T>C variant causes exon13 extension. Detailed molecular consequences of these variants were not described in this study but it was reported that the overall PKP2 protein expression in the proband's heart tissue was reduced (PMID: 30830208). The c.2490-6T>C variant is reported to be a benign variant (ClinVar variation ID: 414019). The available evidence is insufficient to determine the role of this c.224-3C>G variant in autosomal dominant aarrhythmogenic cardiomyopathy conclusively. Therefore, this variant is classified as a Variant of Uncertain Significance.

This study involves interpretation of variants in research participants for the purpose of population health screening. Participant phenotype was not available at the time of variant classification. Additional details can be found in publication PMID: 35346344, PMCID: PMC8962531

Color Diagnostics, LLC DBA Color Health
Classification: Uncertain significance for Cardiomyopathy. Last evaluated: 2023-10-02. Review status: criteria provided, single submitter. Criteria: ACMG Guidelines, 2015. Collection method: clinical testing. Allele origin: germline.
Comment: This variant causes a C to G nucleotide substitution at the -3 position of intron 1 of the PKP2 gene. This variant is also known as IVS1-3C>G in the literature. Splice site prediction tools predict that this variant may have a significant impact on RNA splicing. This variant has been reported in at least five unrelated individuals affected with arrhythmogenic right ventricular cardiomyopathy (PMID: 23671136, 24125834, 25196244, 25820315, 30161220, 30830208, 36138163, 37418234). This variant has not been identified in the general population by the Genome Aggregation Database (gnomAD). One of the affected probands has been reported to be compound heterozygous for this variant and c.2490-6T>C variant in the same gene (PMID: 30830208). The proband's heterozygous parents were unaffected with arrhythmogenic cardiomyopathy (PMID: 30830208). Based on the RNAseq analysis using the proband's explant heart sample, this study has reported that this c.224-3C>G variant causes skipping of exon 2, and c.2490-6T>C variant causes exon13 extension. Detailed molecular consequences of these variants were not described in this study but it was reported that the overall PKP2 protein expression in the proband's heart tissue was reduced (PMID: 30830208). The c.2490-6T>C variant is reported to be a benign variant (ClinVar variation ID: 414019). The available evidence is insufficient to determine the role of this c.224-3C>G variant in autosomal dominant aarrhythmogenic cardiomyopathy conclusively. Therefore, this variant is classified as a Variant of Uncertain Significance.

Center for Genomics, Ann and Robert H. Lurie Children's Hospital of Chicago
Classification: Uncertain significance for Arrhythmogenic right ventricular dysplasia 9. Last evaluated: 2021-03-30. Review status: criteria provided, single submitter. Criteria: ACMG Guidelines, 2015. Collection method: clinical testing. Allele origin: germline.
Comment: PKP2 NM_004572.3 exon 2 c.224-3C>G: This variant has been reported in the literature in at least two individuals with ARVC (Bhonsale 2013 PMID:23671136, Bao 2013 PMID:24125834). This variant is not present in large control databases but is present in ClinVar (Variation ID:188652). Evolutionary conservation and computational predictive tools for this variant are limited or unavailable. Splice prediction tools suggest that this variant may affect splicing. However, further studies are needed to understand its impact. In summary, data on this variant is insufficient for disease classification. Therefore, the clinical significance of this variant is uncertain.

Ambry Genetics
Classification: Uncertain significance for Cardiovascular phenotype. Last evaluated: 2019-07-30. Review status: criteria provided, single submitter. Criteria: Ambry Variant Classification Scheme 2023. Collection method: clinical testing. Allele origin: germline.
Comment: The c.224-3C>G intronic variant results from a C to G substitution 3 nucleotides upstream from coding exon 2 in the PKP2 gene. This variant has been reported in arrhythmogenic right ventricular dysplasia/cardiomyopathy cohorts, though two were the same study population (Bao J et al. Circ Cardiovasc Genet, 2013 Dec;6:552-6; Bhonsale A et al. Circ Arrhythm Electrophysiol, 2013 Jun;6:569-78; James CA et al. J. Am. Coll. Cardiol., 2013 Oct;62:1290-7). This nucleotide position is well conserved in available vertebrate species. Using the BDGP and ESEfinder splice site prediction tools, this alteration is predicted to abolish the native splice acceptor site; however, direct evidence is unavailable. Since supporting evidence is limited at this time, the clinical significance of this alteration remains unclear.

Stanford Center for Inherited Cardiovascular Disease, Stanford University
Classification: Uncertain significance. Last evaluated: 2015-06-11. Review status: criteria provided, single submitter. Criteria: ACMG Guidelines, 2015. Collection method: provider interpretation. Allele origin: germline.

Literature cited by the submitters: PubMed 23671136 (cited by 4 submitters); PubMed 24125834 (cited by 4 submitters); PubMed 30161220 (cited by 3 submitters); PubMed 30830208 (cited by 3 submitters); PubMed 17576681 (cited by Labcorp Genetics (formerly Invitae), Labcorp); PubMed 9536098 (cited by Labcorp Genetics (formerly Invitae), Labcorp); PubMed 25196244 (cited by All of Us Research Program, National Institutes of Health and Color Diagnostics, LLC DBA Color Health); PubMed 25820315 (cited by All of Us Research Program, National Institutes of Health and Color Diagnostics, LLC DBA Color Health); PubMed 36138163 (cited by All of Us Research Program, National Institutes of Health and Color Diagnostics, LLC DBA Color Health); PubMed 37418234 (cited by All of Us Research Program, National Institutes of Health and Color Diagnostics, LLC DBA Color Health); PubMed 23871885 (cited by Ambry Genetics).

NM_001005242.3(PKP2):c.224-3C>G

Gene: PKP2 (plakophilin 2; minus strand). Cytogenetic location: 12p11.21.
Variant type: single nucleotide variant.
Coding change: c.224-3C>G on transcript NM_001005242.3 (MANE Select); 3 bases into the intron before coding-DNA position 224, C replaced by G.
Molecular consequence: intron variant.
Genome position (GRCh38, 1-based): chr12:32,879,035, G>C on the plus strand (C>G on the coding strand, the complement: PKP2 is on the minus strand). VCF-style: chr12-32879035-G-C. GRCh37 (hg19) VCF-style: chr12-33031969-G-C.
Other names: c.224-3C>G (NM_004572.4).
Identifiers: ClinVar variation 188652 (VCV000188652.16), dbSNP rs786204387, ClinGen allele CA011822.